The following is an entry in ClinVar:

ClinVar aggregate classification (germline): Uncertain significance (1 of 4 stars; one submission).

Conditions:
RYR1-related disorder. Also called: RYR1-related disorders; RYR1-related condition. Identifiers: MedGen CN239331.

Allele frequency attached by ClinVar (database versions not stated): gnomAD 0.00001.
gnomAD v4.1: 3 of 1,612,682 alleles (0.00019%); highest among the groups gnomAD compares: Admixed American, 0.0033%; no homozygotes.

Submission:

Labcorp Genetics (formerly Invitae), Labcorp
Classification: Uncertain significance for RYR1-related disorder. Last evaluated: 2022-03-03. Review status: criteria provided, single submitter. Criteria: Invitae Variant Classification Sherloc (09022015). Collection method: clinical testing. Allele origin: germline.
Comment: In summary, the available evidence is currently insufficient to determine the role of this variant in disease. Therefore, it has been classified as a Variant of Uncertain Significance. Algorithms developed to predict the effect of sequence changes on RNA splicing suggest that this variant may create or strengthen a splice site. ClinVar contains an entry for this variant (Variation ID: 643130). Advanced modeling of protein sequence and biophysical properties (such as structural, functional, and spatial information, amino acid conservation, physicochemical variation, residue mobility, and thermodynamic stability) performed at Invitae indicates that this missense variant is not expected to disrupt RYR1 protein function. This variant has not been reported in the literature in individuals affected with RYR1-related conditions. This variant is present in population databases (no rsID available, gnomAD 0.1%). This sequence change replaces histidine, which is basic and polar, with glutamine, which is neutral and polar, at codon 2584 of the RYR1 protein (p.His2584Gln).

NM_000540.3(RYR1):c.7752T>G (p.His2584Gln)

Gene: RYR1 (ryanodine receptor 1; plus strand). Cytogenetic location: 19q13.2.
Variant type: single nucleotide variant.
Coding change: c.7752T>G on transcript NM_000540.3 (MANE Select); coding-DNA position 7752, T replaced by G.
Protein change: p.His2584Gln; replaces histidine 2584 with glutamine.
Molecular consequence: missense variant.
Genome position (GRCh38, 1-based): chr19:38,502,644, T>G. VCF-style: chr19-38502644-T-G. GRCh37 (hg19) VCF-style: chr19-38993284-T-G.
Other names: c.7752T>G, p.His2584Gln (NM_001042723.2); short protein forms H2584Q.
Identifiers: ClinVar variation 643130 (VCV000643130.8), dbSNP rs1324550196, ClinGen allele CA405671938.
Genomic context (GRCh38, chr19:38,502,644, plus strand): 5'-GTGTGCGCCGCTCTTTGCGGGCACAGAACACCGCGCCATCATGGTGGACTCTATGCTGCA[T>G]ACCGTGTACCGCCTGTCTCGGGGTCGTTCGCTCACCAAGGCGCAGCGTGACGTCATCGAG-3'
Protein context (NP_000531.2, residues 2574-2594): HRAIMVDSML[His2584Gln]TVYRLSRGRS